The following is an entry in ClinVar:

NM_003001.5(SDHC):c.349A>C (p.Lys117Gln)

Gene: SDHC (succinate dehydrogenase complex subunit C; plus strand). Cytogenetic location: 1q23.3.
Variant type: single nucleotide variant.
Coding change: c.349A>C on transcript NM_003001.5 (MANE Select); coding-DNA position 349, A replaced by C.
Protein change: p.Lys117Gln; replaces lysine 117 with glutamine.
Molecular consequence: missense variant. On other transcripts: non-coding transcript variant (1), intron variant (3).
Genome position (GRCh38, 1-based): chr1:161,356,784, A>C. VCF-style: chr1-161356784-A-C. GRCh37 (hg19) VCF-style: chr1-161326574-A-C.
Other names: c.247A>C, p.Lys83Gln (NM_001035512.3); c.190A>C, p.Lys64Gln (NM_001035513.3); c.469A>C, p.Lys157Gln (NM_001407115.1); c.292A>C, p.Lys98Gln (NM_001407116.1); c.286A>C, p.Lys96Gln (NM_001407117.1); c.241A>C, p.Lys81Gln (NM_001407118.1); c.238A>C, p.Lys80Gln (NM_001407119.1, NM_001407120.1); c.242-5545A>C (NM_001035511.3); and 2 more; short protein forms K81Q, K83Q, K64Q, K117Q, K157Q, K80Q, K96Q, K98Q.
Identifiers: ClinVar variation 1732014 (VCV001732014.5), dbSNP rs2526537302, ClinGen allele CA343456569.
Genomic context (GRCh38, chr1:161,356,784, plus strand): 5'-GAGTCTTATTTGGAACTTGTGAAGTCCCTGTGTCTGGGGCCAGCACTGATCCACACAGCT[A>C]AGTTTGCACTTGTCTTCCCTCTCATGTATCATACCTGGAATGGGATCCGACACTTGGTAA-3'
Protein context (NP_002992.1, residues 107-127): CLGPALIHTA[Lys117Gln]FALVFPLMYH

ClinVar aggregate classification (germline): Uncertain significance. Review status: criteria provided, multiple submitters, no conflicts (2 of 4 stars). 2 submissions from 2 submitters: Uncertain significance (2). Last evaluated 2025-11-10.

Conditions:
Hereditary cancer-predisposing syndrome. Also called: Tumor predisposition; Neoplastic Syndromes, Hereditary; Hereditary Cancer Syndrome; Hereditary neoplastic syndrome. Identifiers: Orphanet 140162, MedGen C0027672, MeSH D009386, MONDO:0015356.
Pheochromocytoma/paraganglioma syndrome 3. Also called: GLOMUS TUMORS, FAMILIAL, 3; SDHC-Related Hereditary Paraganglioma-Pheochromocytoma Syndrome; SDHC-Related Hereditary Paraganglioma-Pheochromocytoma Syndrome (Paragangliomas 3); Paragangliomas 3. Identifiers: Orphanet 29072, MedGen C1854336, MONDO:0011544, OMIM 605373.
Gastrointestinal stromal tumor. Also called: Gastrointestinal stroma tumor; Gastrointestinal stromal tumor, somatic. Identifiers: Orphanet 44890, MedGen C0238198, MeSH D046152, MONDO:0011719, OMIM 606764, HP:0100723.

Submissions (2):

Ambry Genetics
Classification: Uncertain significance for Hereditary cancer-predisposing syndrome. Last evaluated: 2025-11-10. Review status: criteria provided, single submitter. Criteria: Ambry Variant Classification Scheme 2023. Collection method: clinical testing. Allele origin: germline.
Comment: The p.K117Q variant (also known as c.349A>C), located in coding exon 5 of the SDHC gene, results from an A to C substitution at nucleotide position 349. The lysine at codon 117 is replaced by glutamine, an amino acid with similar properties. This amino acid position is conserved. In addition, this alteration is predicted to be deleterious by in silico analysis. Since supporting evidence is limited at this time, the clinical significance of this alteration remains unclear.

Labcorp Genetics (formerly Invitae), Labcorp
Classification: Uncertain significance for Pheochromocytoma/paraganglioma syndrome 3; Gastrointestinal stromal tumor. Last evaluated: 2025-10-22. Review status: criteria provided, single submitter. Criteria: Invitae Variant Classification Sherloc (09022015). Collection method: clinical testing. Allele origin: germline.
Comment: This sequence change replaces lysine, which is basic and polar, with glutamine, which is neutral and polar, at codon 117 of the SDHC protein (p.Lys117Gln). This variant is not present in population databases (gnomAD no frequency). This variant has not been reported in the literature in individuals affected with SDHC-related conditions. ClinVar contains an entry for this variant (Variation ID: 1732014). Invitae Evidence Modeling of protein sequence and biophysical properties (such as structural, functional, and spatial information, amino acid conservation, physicochemical variation, residue mobility, and thermodynamic stability) indicates that this missense variant is expected to disrupt SDHC protein function with a positive predictive value of 80%. In summary, the available evidence is currently insufficient to determine the role of this variant in disease. Therefore, it has been classified as a Variant of Uncertain Significance.